The following is an entry in ClinVar:

ClinVar aggregate classification (germline): Uncertain significance (1 of 4 stars; one submission).

Conditions:
Charcot-Marie-Tooth disease, type I (CMT1). Also called: Charcot-Marie-Tooth disease type 1; Charcot-Marie-Tooth, Type 1. Identifiers: Orphanet 65753, MedGen C0751036, MONDO:0019011.

gnomAD v4.1: 3 of 1,573,776 alleles (0.00019%); highest among the groups gnomAD compares: East Asian, 0.0022%; no homozygotes.

Submission:

Labcorp Genetics (formerly Invitae), Labcorp
Classification: Uncertain significance for Charcot-Marie-Tooth disease, type I. Last evaluated: 2024-05-05. Review status: criteria provided, single submitter. Criteria: Invitae Variant Classification Sherloc (09022015). Collection method: clinical testing. Allele origin: germline.
Comment: This sequence change replaces proline, which is neutral and non-polar, with serine, which is neutral and polar, at codon 449 of the EGR2 protein (p.Pro449Ser). This variant is present in population databases (rs774569804, gnomAD 0.005%). This variant has not been reported in the literature in individuals affected with EGR2-related conditions. Advanced modeling of protein sequence and biophysical properties (such as structural, functional, and spatial information, amino acid conservation, physicochemical variation, residue mobility, and thermodynamic stability) performed at Invitae indicates that this missense variant is not expected to disrupt EGR2 protein function with a negative predictive value of 80%. In summary, the available evidence is currently insufficient to determine the role of this variant in disease. Therefore, it has been classified as a Variant of Uncertain Significance.

NM_000399.5(EGR2):c.1345C>T (p.Pro449Ser)

Gene: EGR2 (early growth response 2; minus strand). Cytogenetic location: 10q21.3.
Variant type: single nucleotide variant.
Coding change: c.1345C>T on transcript NM_000399.5 (MANE Select); coding-DNA position 1345, C replaced by T.
Protein change: p.Pro449Ser; replaces proline 449 with serine.
Molecular consequence: missense variant.
Genome position (GRCh38, 1-based): chr10:62,813,293, G>A on the plus strand (C>T on the coding strand, the complement: EGR2 is on the minus strand). VCF-style: chr10-62813293-G-A. GRCh37 (hg19) VCF-style: chr10-64573053-G-A.
Other names: c.1345C>T, p.Pro449Ser (NM_001136177.3, NM_001136178.2); c.1195C>T, p.Pro399Ser (NM_001136179.3, NM_001321037.2); c.1384C>T, p.Pro462Ser (NM_001410931.1); short protein forms P449S, P399S, P462S.
Identifiers: ClinVar variation 3706284 (VCV003706284.2).
Genomic context (GRCh38, chr10:62,813,293, plus strand): 5'-AAGGGGCGAGCGGCCCTCCGCCAAGACTGCTGCTGTTACTGCTGCACAGGGTACCCCCAG[G>A]CTGCACGCCCCCAGAGCAGGAGGCTGTAGAGGGGGCTGGCACCGATGCAGAGGGGGCACT-3'
Protein context (NP_000390.2, residues 439-459): STASCSGGVQ[Pro449Ser]GGTLCSSNSS